The following is an entry in ClinVar:

NM_001080510.5(METTL23):c.366G>C (p.Lys122Asn)

Gene: METTL23 (methyltransferase 23, arginine; plus strand). Cytogenetic location: 17q25.1.
Variant type: single nucleotide variant.
Coding change: c.366G>C on transcript NM_001080510.5 (MANE Select); coding-DNA position 366, G replaced by C.
Protein change: p.Lys122Asn; replaces lysine 122 with asparagine.
Molecular consequence: missense variant. On other transcripts: non-coding transcript variant (1).
Genome position (GRCh38, 1-based): chr17:76,733,336, G>C. VCF-style: chr17-76733336-G-C. GRCh37 (hg19) VCF-style: chr17-74729418-G-C.
Other names: c.366G>C, p.Lys122Asn (NM_001206983.3, NM_001206984.3, NM_001302703.2 and 2 more transcripts); c.165G>C, p.Lys55Asn (NM_001206985.3, NM_001206986.3, NM_001206987.3 and 2 more transcripts); c.354G>C, p.Lys118Asn (NM_001302705.2, NM_001378350.1, NM_001378351.1 and 2 more transcripts); short protein forms K118N, K122N, K55N.
Identifiers: ClinVar variation 3060532 (VCV003060532.2), dbSNP rs200067763, ClinGen allele CA8790155.

ClinVar aggregate classification (germline): Likely benign (0 of 4 stars; one submission).

Conditions:
METTL23-related disorder. Also called: METTL23-related condition.

Allele frequency attached by ClinVar (database versions not stated): gnomAD exomes 0.00007; TOPMed 0.00017; gnomAD 0.00021; ExAC 0.00022; 1000 Genomes Project 0.00060; 1000 Genomes Project 30x 0.00062.
gnomAD v4.1: 134 of 1,613,908 alleles (0.0083%); highest among the groups gnomAD compares: East Asian, 0.26%; 2 homozygotes.

Submission:

PreventionGenetics, part of Exact Sciences
Classification: Likely benign for METTL23-related condition. Last evaluated: 2020-11-02. Review status: no assertion criteria provided. Collection method: clinical testing. Allele origin: germline.
Comment: This variant is classified as likely benign based on ACMG/AMP sequence variant interpretation guidelines (Richards et al. 2015 PMID: 25741868, with internal and published modifications).